The following is an entry in ClinVar:

ClinVar aggregate classification (germline): Uncertain significance (1 of 4 stars; one submission).

Conditions:
Gorlin syndrome. Also called: Nevoid Basal Cell Carcinoma Syndrome; Basal cell nevus syndrome. Identifiers: Orphanet 377, MedGen C0004779, MONDO:0007187.

Submission:

Labcorp Genetics (formerly Invitae), Labcorp
Classification: Uncertain significance for Gorlin syndrome. Last evaluated: 2023-08-18. Review status: criteria provided, single submitter. Criteria: Invitae Variant Classification Sherloc (09022015). Collection method: clinical testing. Allele origin: germline.
Comment: In summary, the available evidence is currently insufficient to determine the role of this variant in disease. Therefore, it has been classified as a Variant of Uncertain Significance. An algorithm developed to predict the effect of missense changes on protein structure and function (PolyPhen-2) suggests that this variant is likely to be tolerated. This variant has not been reported in the literature in individuals affected with PTCH2-related conditions. This variant is present in population databases (no rsID available, gnomAD 0.0008%). This sequence change replaces serine, which is neutral and polar, with asparagine, which is neutral and polar, at codon 949 of the PTCH2 protein (p.Ser949Asn).

NM_003738.5(PTCH2):c.2845_2846delinsAA (p.Ser949Asn)

Gene: PTCH2 (patched 2; minus strand). Cytogenetic location: 1p34.1.
Variant type: Indel.
Coding change: c.2845_2846delinsAA on transcript NM_003738.5 (MANE Select); coding-DNA positions 2845 to 2846, TC replaced by AA.
Protein change: p.Ser949Asn; replaces serine 949 with asparagine.
Molecular consequence: missense variant.
Genome position (GRCh38, 1-based): chr1:44,826,618-44,826,619, GA replaced by TT on the plus strand (TC replaced by AA on the coding strand, the reverse complement: PTCH2 is on the minus strand). VCF-style: chr1-44826618-GA-TT. GRCh37 (hg19) VCF-style: chr1-45292290-GA-TT.
Other names: c.2845_2846delinsAA, p.Ser949Asn (NM_001166292.2); short protein forms S949N.
Identifiers: ClinVar variation 2716952 (VCV002716952.3), dbSNP rs2521947481, ClinGen allele CA2697552424.